The following is an entry in ClinVar:

NM_017534.6(MYH2):c.71G>A (p.Arg24His)

Genes: MYH2 (myosin heavy chain 2; minus strand), MYHAS (myosin heavy chain gene cluster antisense RNA; plus strand). Cytogenetic location: 17p13.1.
Variant type: single nucleotide variant.
Coding change: c.71G>A on transcript NM_017534.6 (MANE Select); coding-DNA position 71, G replaced by A.
Protein change: p.Arg24His; replaces arginine 24 with histidine.
Molecular consequence: missense variant.
Genome position (GRCh38, 1-based): chr17:10,547,850, C>T on the plus strand (G>A on the coding strand, the complement: MYH2 is on the minus strand). VCF-style: chr17-10547850-C-T. GRCh37 (hg19) VCF-style: chr17-10451167-C-T.
Other names: c.71G>A, p.Arg24His (NM_001100112.2); short protein forms R24H.
Identifiers: ClinVar variation 2433906 (VCV002433906.6), dbSNP rs141174023, ClinGen allele CA8391740.
Genomic context (GRCh38, chr17:10,547,850, plus strand): 5'-TTGGGCTCCGCCACAAAGACAGATGTTTTGGCATCAAAGGGCCTATTCTGGGCCTCAATG[C>T]GCTCCCTTTCAGACTTTCGGAGGAAAGGAGCAGCCTCCCCAAAAACAGCCAATTCTGAGT-3'
Protein context (NP_060004.3, residues 14-34): APFLRKSERE[Arg24His]IEAQNRPFDA

ClinVar aggregate classification (germline): Uncertain significance. Review status: criteria provided, multiple submitters, no conflicts (2 of 4 stars). 2 submissions from 2 submitters: Uncertain significance (2). Last evaluated 2025-11-21.

Conditions:
Myopathy, proximal, and ophthalmoplegia (CMYO6). Also called: CONGENITAL MYOPATHY 6 WITH OPHTHALMOPLEGIA; INCLUSION BODY MYOPATHY 3, AUTOSOMAL DOMINANT; MYOPATHY WITH CONGENITAL JOINT CONTRACTURES, OPHTHALMOPLEGIA, AND RIMMED VACUOLES. Identifiers: Orphanet 363677, Orphanet 79091, MedGen C1854106, MONDO:0011577, OMIM 605637.

Allele frequency attached by ClinVar (database versions not stated): ESP Exome Variant Server 0.00015.
gnomAD v4.1: 52 of 1,614,054 alleles (0.0032%); highest among the groups gnomAD compares: African/African-American, 0.019%; no homozygotes.

Submissions (2):

Labcorp Genetics (formerly Invitae), Labcorp
Classification: Uncertain significance for Myopathy, proximal, and ophthalmoplegia. Last evaluated: 2025-11-21. Review status: criteria provided, single submitter. Criteria: Invitae Variant Classification Sherloc (09022015). Collection method: clinical testing. Allele origin: germline.
Comment: This sequence change replaces arginine, which is basic and polar, with histidine, which is basic and polar, at codon 24 of the MYH2 protein (p.Arg24His). This variant is present in population databases (rs141174023, gnomAD 0.008%). This variant has not been reported in the literature in individuals affected with MYH2-related conditions. ClinVar contains an entry for this variant (Variation ID: 2433906). Invitae Evidence Modeling of protein sequence and biophysical properties (such as structural, functional, and spatial information, amino acid conservation, physicochemical variation, residue mobility, and thermodynamic stability) indicates that this missense variant is not expected to disrupt MYH2 protein function with a negative predictive value of 80%. In summary, the available evidence is currently insufficient to determine the role of this variant in disease. Therefore, it has been classified as a Variant of Uncertain Significance.

Revvity Omics, Revvity
Classification: Uncertain significance for Myopathy, proximal, and ophthalmoplegia. Last evaluated: 2024-12-03. Review status: criteria provided, single submitter. Criteria: ACMG Guidelines, 2015. Collection method: clinical testing. Allele origin: germline.